The following is an entry in ClinVar:

NM_003737.4(DCHS1):c.2625C>G (p.Phe875Leu)

Gene: DCHS1 (dachsous cadherin-related 1; minus strand). Cytogenetic location: 11p15.4.
Variant type: single nucleotide variant.
Coding change: c.2625C>G on transcript NM_003737.4 (MANE Select); coding-DNA position 2625, C replaced by G.
Protein change: p.Phe875Leu; replaces phenylalanine 875 with leucine.
Molecular consequence: missense variant.
Genome position (GRCh38, 1-based): chr11:6,632,887, G>C on the plus strand (C>G on the coding strand, the complement: DCHS1 is on the minus strand). VCF-style: chr11-6632887-G-C. GRCh37 (hg19) VCF-style: chr11-6654118-G-C.
Other names: short protein forms F875L.
Identifiers: ClinVar variation 4807785 (VCV004807785.1).
Genomic context (GRCh38, chr11:6,632,887, plus strand): 5'-AGGAAAGGCAGGGGAGTTGTCATTCACATCATCCAGCAGCACACGCACCCGAGCTACAGC[G>C]AAAGCTGGGGGCACTCCACTGCCTGCTCGCACCTCCAGCTCCAACACTGGTCCCAGTAGC-3'
Protein context (NP_003728.1, residues 865-885): VRAGSGVPPA[Phe875Leu]AVARVRVLLD

ClinVar aggregate classification (germline): Uncertain significance (1 of 4 stars; one submission).

Submission:

Labcorp Genetics (formerly Invitae), Labcorp
Classification: Uncertain significance. Last evaluated: 2025-04-26. Review status: criteria provided, single submitter. Criteria: Invitae Variant Classification Sherloc (09022015). Collection method: clinical testing. Allele origin: germline.
Comment: This sequence change replaces phenylalanine, which is neutral and non-polar, with leucine, which is neutral and non-polar, at codon 875 of the DCHS1 protein (p.Phe875Leu). This variant is not present in population databases (gnomAD no frequency). This variant has not been reported in the literature in individuals affected with DCHS1-related conditions. Invitae Evidence Modeling of protein sequence and biophysical properties (such as structural, functional, and spatial information, amino acid conservation, physicochemical variation, residue mobility, and thermodynamic stability) indicates that this missense variant is not expected to disrupt DCHS1 protein function with a negative predictive value of 80%. In summary, the available evidence is currently insufficient to determine the role of this variant in disease. Therefore, it has been classified as a Variant of Uncertain Significance.